The following is an entry in ClinVar:

NM_001166114.2(PNPLA6):c.656C>G (p.Pro219Arg)

Gene: PNPLA6 (patatin like domain 6, lysophospholipase; plus strand). Cytogenetic location: 19p13.2.
Variant type: single nucleotide variant.
Coding change: c.656C>G on transcript NM_001166114.2 (MANE Select); coding-DNA position 656, C replaced by G.
Protein change: p.Pro219Arg; replaces proline 219 with arginine.
Molecular consequence: missense variant.
Genome position (GRCh38, 1-based): chr19:7,540,250, C>G. VCF-style: chr19-7540250-C-G. GRCh37 (hg19) VCF-style: chr19-7605136-C-G.
Other names: c.683C>G, p.Pro228Arg (NM_001166111.2); c.539C>G, p.Pro180Arg (NM_001166112.2, NM_001166113.1, NM_006702.5); short protein forms P219R, P228R, P180R.
Identifiers: ClinVar variation 963528 (VCV000963528.7), dbSNP rs1246188701, ClinGen allele CA403104279.
Genomic context (GRCh38, chr19:7,540,250, plus strand): 5'-GCCGCCACATGGTCTTCCAGCGGCTGGGCCAGGGTGACTACGTCTTCCGGCCGGGCCAGC[C>G]AGATGCCAGCATCTACGTGGTGCAGGACGGGCTGCTGGAGCTCTGTCTGCCAGGGCCTGT-3'
Protein context (NP_001159586.1, residues 209-229): QGDYVFRPGQ[Pro219Arg]DASIYVVQDG

ClinVar aggregate classification (germline): Uncertain significance (1 of 4 stars; one submission).

Conditions:
Hereditary spastic paraplegia 39 (SPG39). Also called: Spastic Paraplegia Type 39 (SPG39); SPASTIC PARAPLEGIA 39, AUTOSOMAL RECESSIVE. Identifiers: Orphanet 139480, MedGen C2677586, MONDO:0012787, OMIM 612020.

Allele frequency attached by ClinVar (database versions not stated): TOPMed 0.00001.

Submission:

Labcorp Genetics (formerly Invitae), Labcorp
Classification: Uncertain significance for Hereditary spastic paraplegia 39. Last evaluated: 2021-09-01. Review status: criteria provided, single submitter. Criteria: Invitae Variant Classification Sherloc (09022015). Collection method: clinical testing. Allele origin: germline.
Comment: This sequence change replaces proline with arginine at codon 180 of the PNPLA6 protein (p.Pro180Arg). The proline residue is highly conserved and there is a moderate physicochemical difference between proline and arginine. This variant is not present in population databases (ExAC no frequency). This variant has not been reported in the literature in individuals affected with PNPLA6-related conditions. Algorithms developed to predict the effect of missense changes on protein structure and function are either unavailable or do not agree on the potential impact of this missense change (SIFT: "Deleterious"; PolyPhen-2: "Probably Damaging"; Align-GVGD: "Class C15"). In summary, the available evidence is currently insufficient to determine the role of this variant in disease. Therefore, it has been classified as a Variant of Uncertain Significance.